The following is an entry in ClinVar:

NM_006767.4(LZTR1):c.1690C>T (p.Gln564Ter)

Gene: LZTR1 (leucine zipper like post translational regulator 1; plus strand). Cytogenetic location: 22q11.21.
Variant type: single nucleotide variant.
Coding change: c.1690C>T on transcript NM_006767.4 (MANE Select); coding-DNA position 1690, C replaced by T.
Protein change: p.Gln564Ter; replaces glutamine 564 with a stop codon.
Molecular consequence: nonsense.
Genome position (GRCh38, 1-based): chr22:20,994,632, C>T. VCF-style: chr22-20994632-C-T. GRCh37 (hg19) VCF-style: chr22-21348921-C-T.
Other names: short protein forms Q564*.
Identifiers: ClinVar variation 1778126 (VCV001778126.11), dbSNP rs2518621809, ClinGen allele CA410777808.

ClinVar aggregate classification (germline): Pathogenic/Likely pathogenic. Review status: criteria provided, multiple submitters, no conflicts (2 of 4 stars). 3 submissions from 3 submitters: Pathogenic (2); Likely pathogenic (1). Last evaluated 2026-05-07.

Conditions:
Hereditary cancer-predisposing syndrome. Also called: Neoplastic Syndromes, Hereditary; Tumor predisposition; Hereditary Cancer Syndrome; Hereditary neoplastic syndrome. Identifiers: Orphanet 140162, MedGen C0027672, MeSH D009386, MONDO:0015356.
Cardiovascular phenotype. Identifiers: MedGen CN230736.

Allele frequency attached by ClinVar (database versions not stated): gnomAD exomes below 0.00001.
gnomAD v4.1: 1 of 1,612,702 alleles (0.000062%); highest among the groups gnomAD compares: Non-Finnish European, 0.000085%; no homozygotes.

Submissions (3):

GeneDx
Classification: Likely pathogenic. Last evaluated: 2026-05-07. Review status: criteria provided, single submitter. Criteria: GeneDx Variant Classification Process June 2021. Collection method: clinical testing. Allele origin: germline.
Comment: Identified in a patient with cafe-au-lait macules and an unaffected parent in published literature (PMID: 39140257); Nonsense variant predicted to result in protein truncation or nonsense mediated decay in a gene for which loss of function is a known mechanism of disease; Not observed at significant frequency in large population cohorts (gnomAD); This variant is associated with the following publications: (PMID: 39140257)

Ambry Genetics
Classification: Pathogenic for Cardiovascular phenotype; Hereditary cancer-predisposing syndrome. Last evaluated: 2024-07-02. Review status: criteria provided, single submitter. Criteria: Ambry Variant Classification Scheme 2023. Collection method: clinical testing. Allele origin: germline.
Comment: The p.Q564* pathogenic mutation (also known as c.1690C>T), located in coding exon 15 of the LZTR1 gene, results from a C to T substitution at nucleotide position 1690. This changes the amino acid from a glutamine to a stop codon within coding exon 15. This variant is considered to be rare based on population cohorts in the Genome Aggregation Database (gnomAD). Loss-of-function variants in LZTR1 are related to an increased risk for schwannomas and autosomal recessive Noonan syndrome; however, such associations with autosomal dominant Noonan syndrome have not been observed (Piotrowski A et al. Nat Genet. 2014 Feb;46:182-7; Yamamoto GL et al. J Med Genet. 2015 Jun;52:413-21; Johnston JJ et al. Genet Med. 2018 10;20:1175-1185). This alteration is expected to result in loss of function by premature protein truncation or nonsense-mediated mRNA decay. Based on the supporting evidence, this variant is pathogenic for an increased risk of LZTR1-related schwannomatosis (SWN) and would be expected to cause autosomal recessive Noonan syndrome when present along with a second pathogenic or likely pathogenic variant on the other allele; however, the association of this alteration with autosomal dominant Noonan syndrome is unlikely.

Labcorp Genetics (formerly Invitae), Labcorp
Classification: Pathogenic. Last evaluated: 2023-05-15. Review status: criteria provided, single submitter. Criteria: Invitae Variant Classification Sherloc (09022015). Collection method: clinical testing. Allele origin: germline.
Comment: This variant has not been reported in the literature in individuals affected with LZTR1-related conditions. For these reasons, this variant has been classified as Pathogenic. ClinVar contains an entry for this variant (Variation ID: 1778126). This variant is not present in population databases (gnomAD no frequency). This sequence change creates a premature translational stop signal (p.Gln564*) in the LZTR1 gene. It is expected to result in an absent or disrupted protein product. Loss-of-function variants in LZTR1 are known to be pathogenic (PMID: 24362817, 25335493, 25480913, 25795793, 29469822, 30368668, 30442762, 30442766, 30481304, 30859559).

Literature cited by the submitters: PubMed 24362817 (cited by Labcorp Genetics (formerly Invitae), Labcorp); PubMed 25335493 (cited by Labcorp Genetics (formerly Invitae), Labcorp); PubMed 25480913 (cited by Labcorp Genetics (formerly Invitae), Labcorp); PubMed 25795793 (cited by Labcorp Genetics (formerly Invitae), Labcorp); PubMed 29469822 (cited by Labcorp Genetics (formerly Invitae), Labcorp); PubMed 30368668 (cited by Labcorp Genetics (formerly Invitae), Labcorp); PubMed 30442762 (cited by Labcorp Genetics (formerly Invitae), Labcorp); PubMed 30442766 (cited by Labcorp Genetics (formerly Invitae), Labcorp); PubMed 30481304 (cited by Labcorp Genetics (formerly Invitae), Labcorp); PubMed 30859559 (cited by Labcorp Genetics (formerly Invitae), Labcorp).